The following is an entry in ClinVar:

ClinVar aggregate classification (germline): Uncertain significance (1 of 4 stars; one submission).

Conditions:
Xeroderma pigmentosum (XP). Identifiers: Orphanet 910, MedGen C0043346, MONDO:0019600.

Allele frequency attached by ClinVar (database versions not stated): gnomAD exomes below 0.00001.
gnomAD v4.1: 2 of 1,612,628 alleles (0.00012%); highest among the groups gnomAD compares: Non-Finnish European, 0.00017%; no homozygotes.

Submission:

Sema4
Classification: Uncertain significance for Xeroderma pigmentosum. Last evaluated: 2021-11-15. Review status: criteria provided, single submitter. Criteria: Sema4 Curation Guidelines. Collection method: curation. Allele origin: germline.
Comment: The XPC c.10A>G (p.K4E) variant has not been reported in the literature to our knowledge. This variant is not reported in the large and broad cohorts of the Genome Aggregation Database (PMID: 32461654). This variant has not been reported in ClinVar. In silico tools suggest the impact of the variant on protein function is benign, though these predictions have not been confirmed by functional studies. The overall evidence is insufficient to meet ACMG/AMP criteria for classifying it as benign or pathogenic. In summary, the clinical significance of this variant is currently uncertain.

NM_004628.5(XPC):c.10A>G (p.Lys4Glu)

Genes: XPC (XPC complex subunit, DNA damage recognition and repair factor; minus strand), LOC129936244 (ATAC-STARR-seq lymphoblastoid active region 19500; plus strand). Cytogenetic location: 3p25.1.
Variant type: single nucleotide variant.
Coding change: c.10A>G on transcript NM_004628.5 (MANE Select); coding-DNA position 10, A replaced by G.
Protein change: p.Lys4Glu; replaces lysine 4 with glutamic acid.
Molecular consequence: missense variant. On other transcripts: 5 prime UTR variant (1), non-coding transcript variant (2).
Genome position (GRCh38, 1-based): chr3:14,178,559, T>C on the plus strand (A>G on the coding strand, the complement: XPC is on the minus strand). VCF-style: chr3-14178559-T-C. GRCh37 (hg19) VCF-style: chr3-14220059-T-C.
Other names: c.-446A>G (NM_001354726.2); c.10A>G, p.Lys4Glu (NM_001354727.2, NM_001354729.2, NM_001354730.2); short protein forms K4E.
Identifiers: ClinVar variation 1692817 (VCV001692817.1), dbSNP rs2125053616, ClinGen allele CA351543933.